The following is an entry in ClinVar:

NM_001844.5(COL2A1):c.709-1G>A

Gene: COL2A1 (collagen type II alpha 1 chain; minus strand). Cytogenetic location: 12q13.11.
Variant type: single nucleotide variant.
Coding change: c.709-1G>A on transcript NM_001844.5 (MANE Select); the canonical splice acceptor site of the intron before coding-DNA position 709, G replaced by A.
Molecular consequence: splice acceptor variant.
Genome position (GRCh38, 1-based): chr12:47,995,309, C>T on the plus strand (G>A on the coding strand, the complement: COL2A1 is on the minus strand). VCF-style: chr12-47995309-C-T. GRCh37 (hg19) VCF-style: chr12-48389092-C-T.
Other names: c.502-1G>A (NM_033150.3).
Identifiers: ClinVar variation 1198858 (VCV001198858.2), dbSNP rs2136616554, ClinGen allele CA384523472.
Genomic context (GRCh38, chr12:47,995,309, plus strand): 5'-ACTCACATCATCACCAGGCTTTCCAGGGGGACCAGGAGGACCACGGGGACCCATGGGACC[C>T]TACAAACAAAGGAAGATAGTTTAAGAGATGGTTATAGTGGGAAGACACCTAAGCAATGGA-3'

ClinVar aggregate classification (germline): Pathogenic (1 of 4 stars; one submission).

Submission:

GeneDx
Classification: Pathogenic. Last evaluated: 2019-04-10. Review status: criteria provided, single submitter. Criteria: GeneDx Variant Classification Process June 2021. Collection method: clinical testing. Allele origin: germline. Affected: yes.
Comment: Has not been previously published as pathogenic or benign to our knowledge; Canonical splice site variant in a gene for which loss-of-function is a known mechanism of disease; Not observed in large population cohorts (Lek et al., 2016)